The following is an entry in ClinVar:

ClinVar aggregate classification (germline): Uncertain significance (1 of 4 stars; one submission).

Conditions:
Ullrich congenital muscular dystrophy 2 (UCMD2). Identifiers: Orphanet 75840, MedGen C4225314, MONDO:0014654, OMIM 616470.
Bethlem myopathy 2 (BTHLM2). Identifiers: Orphanet 536516, Orphanet 610, MedGen C4225313, MONDO:0034022, OMIM 616471.

gnomAD v4.1: 1 of 1,613,982 alleles (0.000062%); no homozygotes.

Submission:

Labcorp Genetics (formerly Invitae), Labcorp
Classification: Uncertain significance for Bethlem myopathy 2; Ullrich congenital muscular dystrophy 2. Last evaluated: 2022-09-27. Review status: criteria provided, single submitter. Criteria: Invitae Variant Classification Sherloc (09022015). Collection method: clinical testing. Allele origin: germline.
Comment: In summary, the available evidence is currently insufficient to determine the role of this variant in disease. Therefore, it has been classified as a Variant of Uncertain Significance. This sequence change replaces asparagine, which is neutral and polar, with histidine, which is basic and polar, at codon 2424 of the COL12A1 protein (p.Asn2424His). This variant is not present in population databases (gnomAD no frequency). This variant has not been reported in the literature in individuals affected with COL12A1-related conditions. ClinVar contains an entry for this variant (Variation ID: 936744). Advanced modeling of protein sequence and biophysical properties (such as structural, functional, and spatial information, amino acid conservation, physicochemical variation, residue mobility, and thermodynamic stability) performed at Invitae indicates that this missense variant is not expected to disrupt COL12A1 protein function.

NM_004370.6(COL12A1):c.7270A>C (p.Asn2424His)

Genes: COL12A1 (collagen type XII alpha 1 chain; minus strand), LOC126859712 (MED14-independent group 3 enhancer GRCh37_chr6:75828643-75829842; plus strand). Cytogenetic location: 6q13.
Variant type: single nucleotide variant.
Coding change: c.7270A>C on transcript NM_004370.6 (MANE Select); coding-DNA position 7270, A replaced by C.
Protein change: p.Asn2424His; replaces asparagine 2424 with histidine.
Molecular consequence: missense variant.
Genome position (GRCh38, 1-based): chr6:75,119,127, T>G on the plus strand (A>C on the coding strand, the complement: COL12A1 is on the minus strand). VCF-style: chr6-75119127-T-G. GRCh37 (hg19) VCF-style: chr6-75828843-T-G.
Other names: c.3778A>C, p.Asn1260His (NM_080645.3); short protein forms N1260H, N2424H.
Identifiers: ClinVar variation 936744 (VCV000936744.10), dbSNP rs1769228699, ClinGen allele CA364747850.